The following is an entry in ClinVar:

ClinVar aggregate classification (germline): Uncertain significance. Review status: criteria provided, single submitter (1 of 4 stars). 2 submissions from 2 submitters: Uncertain significance (1). 1 of the submissions does not count toward it. Last evaluated 2021-08-20.

Conditions:
Familial Mediterranean fever (FMF). Also called: POLYSEROSITIS, FAMILIAL PAROXYSMAL; POLYSEROSITIS, RECURRENT; Periodic peritonitis; Benign paroxysmal peritonitis. Identifiers: Orphanet 342, MedGen C0031069, MONDO:0018088, OMIM 249100. Disease mechanism: gain of function.

Allele frequency attached by ClinVar (database versions not stated): gnomAD exomes 0.00001 and 0.00002; ExAC 0.00001; gnomAD 0.00001; TOPMed 0.00002.

Submissions (2):

Labcorp Genetics (formerly Invitae), Labcorp
Classification: Uncertain significance for Familial Mediterranean fever. Last evaluated: 2021-08-20. Review status: criteria provided, single submitter. Criteria: Invitae Variant Classification Sherloc (09022015). Collection method: clinical testing. Allele origin: germline.
Comment: This sequence change replaces proline with serine at codon 350 of the MEFV protein (p.Pro350Ser). The proline residue is moderately conserved and there is a moderate physicochemical difference between proline and serine. This variant is present in population databases (rs756751963, ExAC 0.002%). This variant has not been reported in the literature in individuals affected with MEFV-related conditions. Algorithms developed to predict the effect of missense changes on protein structure and function output the following: SIFT: "Tolerated"; PolyPhen-2: "Benign"; Align-GVGD: "Class C0". The serine amino acid residue is found in multiple mammalian species, which suggests that this missense change does not adversely affect protein function. In summary, the available evidence is currently insufficient to determine the role of this variant in disease. Therefore, it has been classified as a Variant of Uncertain Significance.

Natera, Inc.
Classification: Uncertain significance for Familial Mediterranean fever. Last evaluated: 2020-09-16. Review status: no assertion criteria provided. Collection method: clinical testing. Allele origin: germline. Not counted in ClinVar's aggregate classification.

NM_000243.3(MEFV):c.1048C>T (p.Pro350Ser)

Gene: MEFV (MEFV innate immunity regulator, pyrin; minus strand). Cytogenetic location: 16p13.3.
Variant type: single nucleotide variant.
Coding change: c.1048C>T on transcript NM_000243.3 (MANE Select); coding-DNA position 1048, C replaced by T.
Protein change: p.Pro350Ser; replaces proline 350 with serine.
Molecular consequence: missense variant.
Genome position (GRCh38, 1-based): chr16:3,249,643, G>A on the plus strand (C>T on the coding strand, the complement: MEFV is on the minus strand). VCF-style: chr16-3249643-G-A. GRCh37 (hg19) VCF-style: chr16-3299643-G-A.
Other names: c.415C>T, p.Pro139Ser (NM_001198536.2); short protein forms P139S, P350S.
Identifiers: ClinVar variation 663017 (VCV000663017.7), dbSNP rs756751963, ClinGen allele CA7860247.